The following is an entry in ClinVar:

ClinVar aggregate classification (germline): Pathogenic/Likely pathogenic. Review status: criteria provided, multiple submitters, no conflicts (2 of 4 stars). 2 submissions from 2 submitters: Pathogenic (1); Likely pathogenic (1). Last evaluated 2023-10-21.

Conditions:
Cardioencephalomyopathy, fatal infantile, due to cytochrome c oxidase deficiency 1 (MC4DN2). Also called: CYTOCHROME c OXIDASE DEFICIENCY, FATAL INFANTILE, WITH CARDIOENCEPHALOMYOPATHY; MITOCHONDRIAL COMPLEX IV DEFICIENCY, NUCLEAR TYPE 2. Identifiers: Orphanet 1561, MedGen C5399977, MONDO:0011451, OMIM 604377.

gnomAD v4.1: 1 of 1,612,808 alleles (0.000062%); highest among the groups gnomAD compares: Non-Finnish European, 0.000085%; no homozygotes.

Submissions (2):

Baylor Genetics
Classification: Likely pathogenic for Cardioencephalomyopathy, fatal infantile, due to cytochrome c oxidase deficiency 1. Last evaluated: 2023-10-21. Review status: criteria provided, single submitter. Criteria: ACMG Guidelines, 2015. Collection method: clinical testing. Allele origin: unknown.

Labcorp Genetics (formerly Invitae), Labcorp
Classification: Pathogenic. Last evaluated: 2023-06-14. Review status: criteria provided, single submitter. Criteria: Invitae Variant Classification Sherloc (09022015). Collection method: clinical testing. Allele origin: germline.
Comment: This sequence change creates a premature translational stop signal (p.Gln161*) in the SCO2 gene. While this is not anticipated to result in nonsense mediated decay, it is expected to disrupt the last 106 amino acid(s) of the SCO2 protein. This variant is not present in population databases (gnomAD no frequency). This variant has not been reported in the literature in individuals affected with SCO2-related conditions. ClinVar contains an entry for this variant (Variation ID: 1911265). This variant disrupts a region of the SCO2 protein in which other variant(s) (p.Gly193Ser) have been determined to be pathogenic (PMID: 19353847, 29193756, 32600061). This suggests that this is a clinically significant region of the protein, and that variants that disrupt it are likely to be disease-causing. For these reasons, this variant has been classified as Pathogenic.

Literature cited by the submitters: PubMed 19353847 (cited by Labcorp Genetics (formerly Invitae), Labcorp); PubMed 29193756 (cited by Labcorp Genetics (formerly Invitae), Labcorp); PubMed 32600061 (cited by Labcorp Genetics (formerly Invitae), Labcorp).

NM_005138.3(SCO2):c.481C>T (p.Gln161Ter)

Genes: NCAPH2 (non-SMC condensin II complex subunit H2; plus strand), SCO2 (synthesis of cytochrome C oxidase 2; minus strand). Cytogenetic location: 22q13.33.
Variant type: single nucleotide variant.
Coding change: c.481C>T on transcript NM_005138.3 (MANE Select); coding-DNA position 481, C replaced by T.
Protein change: p.Gln161Ter; replaces glutamine 161 with a stop codon.
Molecular consequence: nonsense. On other transcripts: 3 prime UTR variant (2).
Genome position (GRCh38, 1-based): chr22:50,523,931, G>A on the plus strand (C>T on the coding strand, the complement: SCO2 is on the minus strand). VCF-style: chr22-50523931-G-A. GRCh37 (hg19) VCF-style: chr22-50962360-G-A.
Other names: c.*556G>A (NM_001185011.2, NM_152299.4); c.481C>T, p.Gln161Ter (NM_001169109.2, NM_001169110.1, NM_001169111.2); short protein forms Q161*.
Identifiers: ClinVar variation 1911265 (VCV001911265.6), dbSNP rs2522469440, ClinGen allele CA412192595.